The following is an entry in ClinVar:

NM_000486.6(AQP2):c.20T>C (p.Ile7Thr)

Gene: AQP2 (aquaporin 2; plus strand). Cytogenetic location: 12q13.12.
Variant type: single nucleotide variant.
Coding change: c.20T>C on transcript NM_000486.6 (MANE Select); coding-DNA position 20, T replaced by C.
Protein change: p.Ile7Thr; replaces isoleucine 7 with threonine.
Molecular consequence: missense variant.
Genome position (GRCh38, 1-based): chr12:49,950,850, T>C. VCF-style: chr12-49950850-T-C. GRCh37 (hg19) VCF-style: chr12-50344633-T-C.
Other names: short protein forms I7T.
Identifiers: ClinVar variation 2418659 (VCV002418659.5), dbSNP rs1592814511, ClinGen allele CA384771415.

ClinVar aggregate classification (germline): Uncertain significance (1 of 4 stars; one submission).

Allele frequency attached by ClinVar (database versions not stated): gnomAD exomes below 0.00001.
gnomAD v4.1: 5 of 1,612,918 alleles (0.00031%); highest among the groups gnomAD compares: Non-Finnish European, 0.00042%; no homozygotes.

Submission:

Labcorp Genetics (formerly Invitae), Labcorp
Classification: Uncertain significance. Last evaluated: 2024-06-03. Review status: criteria provided, single submitter. Criteria: Invitae Variant Classification Sherloc (09022015). Collection method: clinical testing. Allele origin: germline.
Comment: This sequence change replaces isoleucine, which is neutral and non-polar, with threonine, which is neutral and polar, at codon 7 of the AQP2 protein (p.Ile7Thr). This variant is not present in population databases (gnomAD no frequency). This variant has not been reported in the literature in individuals affected with AQP2-related conditions. ClinVar contains an entry for this variant (Variation ID: 2418659). An algorithm developed to predict the effect of missense changes on protein structure and function (PolyPhen-2) suggests that this variant is likely to be tolerated. In summary, the available evidence is currently insufficient to determine the role of this variant in disease. Therefore, it has been classified as a Variant of Uncertain Significance.